The following is an entry in ClinVar:

ClinVar aggregate classification (germline): Uncertain significance (1 of 4 stars; one submission).

Conditions:
Charcot-Marie-Tooth Neuropathy X. Identifiers: MedGen CN118851.

Submission:

Labcorp Genetics (formerly Invitae), Labcorp
Classification: Uncertain significance for Charcot-Marie-Tooth Neuropathy X. Last evaluated: 2018-05-07. Review status: criteria provided, single submitter. Criteria: Invitae Variant Classification Sherloc (09022015). Collection method: clinical testing. Allele origin: germline.
Comment: This sequence change replaces methionine with arginine at codon 150 of the GJB1 protein (p.Met150Arg). The methionine residue is highly conserved and there is a moderate physicochemical difference between methionine and arginine. This variant is not present in population databases (ExAC no frequency). This variant has not been reported in the literature in individuals with GJB1-related disease. In summary, the available evidence is currently insufficient to determine the role of this variant in disease. Therefore, it has been classified as a Variant of Uncertain Significance. Algorithms developed to predict the effect of sequence changes on RNA splicing suggest that this variant may create or strengthen a splice site, but this prediction has not been confirmed by published transcriptional studies. Algorithms developed to predict the effect of missense changes on protein structure and function (SIFT, PolyPhen-2, Align-GVGD) all suggest that this variant is likely to be disruptive, but these predictions have not been confirmed by published functional studies and their clinical significance is uncertain.

NM_000166.6(GJB1):c.449T>G (p.Met150Arg)

Gene: GJB1 (gap junction protein beta 1; plus strand). Cytogenetic location: Xq13.1.
Variant type: single nucleotide variant.
Coding change: c.449T>G on transcript NM_000166.6 (MANE Select); coding-DNA position 449, T replaced by G.
Protein change: p.Met150Arg; replaces methionine 150 with arginine.
Molecular consequence: missense variant.
Genome position (GRCh38, 1-based): chrX:71,224,156, T>G. VCF-style: chrX-71224156-T-G. GRCh37 (hg19) VCF-style: chrX-70444006-T-G.
Other names: c.449T>G, p.Met150Arg (NM_001097642.3); short protein forms M150R.
Identifiers: ClinVar variation 580173 (VCV000580173.8), dbSNP rs761350704, ClinGen allele CA413502528.
Genomic context (GRCh38, chrX:71,224,156, plus strand): 5'-CACTGTGGTGGACCTATGTCATCAGCGTGGTGTTCCGGCTGTTGTTTGAGGCCGTCTTCA[T>G]GTATGTCTTTTATCTGCTCTACCCTGGCTATGCCATGGTGCGGCTGGTCAAGTGCGACGT-3'
Protein context (NP_000157.1, residues 140-160): VFRLLFEAVF[Met150Arg]YVFYLLYPGY